The following is an entry in ClinVar:

ClinVar aggregate classification (germline): Uncertain significance (1 of 4 stars; one submission).

Conditions:
Luscan-Lumish syndrome. Identifiers: Orphanet 597738, MedGen C4085873, MONDO:0014791, OMIM 616831.

Allele frequency attached by ClinVar (database versions not stated): ExAC 0.00001; gnomAD exomes 0.00001.
gnomAD v4.1: 43 of 1,614,022 alleles (0.0027%); highest among the groups gnomAD compares: Non-Finnish European, 0.0036%; no homozygotes.

Submission:

Labcorp Genetics (formerly Invitae), Labcorp
Classification: Uncertain significance for Luscan-Lumish syndrome. Last evaluated: 2019-08-12. Review status: criteria provided, single submitter. Criteria: Invitae Variant Classification Sherloc (09022015). Collection method: clinical testing. Allele origin: germline.
Comment: This sequence change replaces valine with glycine at codon 998 of the SETD2 protein (p.Val998Gly). The valine residue is weakly conserved and there is a moderate physicochemical difference between valine and glycine. In summary, the available evidence is currently insufficient to determine the role of this variant in disease. Therefore, it has been classified as a Variant of Uncertain Significance. Algorithms developed to predict the effect of sequence changes on RNA splicing suggest that this variant may create or strengthen a splice site, but this prediction has not been confirmed by published transcriptional studies. Algorithms developed to predict the effect of missense changes on protein structure and function (SIFT, PolyPhen-2, Align-GVGD) all suggest that this variant is likely to be tolerated, but these predictions have not been confirmed by published functional studies and their clinical significance is uncertain. This variant has not been reported in the literature in individuals with SETD2-related conditions. This variant is present in population databases (rs769399537, ExAC 0.002%).

NM_014159.7(SETD2):c.2993T>G (p.Val998Gly)

Gene: SETD2 (SET domain containing 2, histone lysine methyltransferase; minus strand). Cytogenetic location: 3p21.31.
Variant type: single nucleotide variant.
Coding change: c.2993T>G on transcript NM_014159.7 (MANE Select); coding-DNA position 2993, T replaced by G.
Protein change: p.Val998Gly; replaces valine 998 with glycine.
Molecular consequence: missense variant. On other transcripts: non-coding transcript variant (1).
Genome position (GRCh38, 1-based): chr3:47,121,643, A>C on the plus strand (T>G on the coding strand, the complement: SETD2 is on the minus strand). VCF-style: chr3-47121643-A-C. GRCh37 (hg19) VCF-style: chr3-47163133-A-C.
Other names: c.2861T>G, p.Val954Gly (NM_001349370.3); short protein forms V954G, V998G.
Identifiers: ClinVar variation 944455 (VCV000944455.6), dbSNP rs769399537, ClinGen allele CA2363447.